The following is an entry in ClinVar:

NM_005534.4(IFNGR2):c.879+4C>T

Genes: IFNGR2 (interferon gamma receptor 2; plus strand), TMEM50B (transmembrane protein 50B; minus strand). Cytogenetic location: 21q22.11.
Variant type: single nucleotide variant.
Coding change: c.879+4C>T on transcript NM_005534.4 (MANE Select); 4 bases into the intron after coding-DNA position 879, C replaced by T.
Molecular consequence: intron variant.
Genome position (GRCh38, 1-based): chr21:33,432,875, C>T. VCF-style: chr21-33432875-C-T. GRCh37 (hg19) VCF-style: chr21-34805182-C-T.
Other names: c.936+4C>T (NM_001329128.2).
Identifiers: ClinVar variation 840030 (VCV000840030.10), dbSNP rs770663375, ClinGen allele CA10007028.
Genomic context (GRCh38, chr21:33,432,875, plus strand): 5'-GGCCTGATTAAATACTGGTTTCACACTCCACCAAGCATCCCATTACAGATAGAAGAGGTA[C>T]GTGTGCACACATCTCTTTTTTTTTTTTTGAGACAGGGTCTTGCTCTGTTGCCCAGGCGGG-3'

ClinVar aggregate classification (germline): Conflicting classifications of pathogenicity. Review status: criteria provided, conflicting classifications (1 of 4 stars). 2 submissions from 2 submitters: Uncertain significance (1); Likely benign (1). Last evaluated 2024-10-24.

Conditions:
Immunodeficiency 28 (IMD28). Also called: IFNGR2 DEFICIENCY. Identifiers: Orphanet 319547, Orphanet 319574, MedGen C4013947, MONDO:0013953, OMIM 614889.

Allele frequency attached by ClinVar (database versions not stated): ExAC 0.00001; gnomAD exomes 0.00001 and 0.00002; TOPMed 0.00002.
gnomAD v4.1: 21 of 1,603,566 alleles (0.0013%); highest among the groups gnomAD compares: East Asian, 0.0045%; no homozygotes.

Submissions (2):

Labcorp Genetics (formerly Invitae), Labcorp
Classification: Uncertain significance for Immunodeficiency 28. Last evaluated: 2024-10-24. Review status: criteria provided, single submitter. Criteria: Invitae Variant Classification Sherloc (09022015). Collection method: clinical testing. Allele origin: germline.
Comment: This sequence change falls in intron 6 of the IFNGR2 gene. It does not directly change the encoded amino acid sequence of the IFNGR2 protein. It affects a nucleotide within the consensus splice site. This variant is present in population databases (rs770663375, gnomAD 0.02%). This variant has not been reported in the literature in individuals affected with IFNGR2-related conditions. ClinVar contains an entry for this variant (Variation ID: 840030). Variants that disrupt the consensus splice site are a relatively common cause of aberrant splicing (PMID: 17576681, 9536098). Algorithms developed to predict the effect of sequence changes on RNA splicing suggest that this variant is not likely to affect RNA splicing. In summary, the available evidence is currently insufficient to determine the role of this variant in disease. Therefore, it has been classified as a Variant of Uncertain Significance.

Blueprint Genetics
Classification: Likely benign. Last evaluated: 2024-08-07. Review status: criteria provided, single submitter. Criteria: ACMG Guidelines, 2015. Collection method: clinical testing. Allele origin: germline.

Literature cited by the submitters: PubMed 17576681 (cited by Labcorp Genetics (formerly Invitae), Labcorp); PubMed 9536098 (cited by Labcorp Genetics (formerly Invitae), Labcorp).